The following is an entry in ClinVar:

ClinVar aggregate classification (germline): Uncertain significance (1 of 4 stars; one submission).

Submission:

Ambry Genetics
Classification: Uncertain significance. Last evaluated: 2023-06-24. Review status: criteria provided, single submitter. Criteria: Ambry Variant Classification Scheme 2023. Collection method: clinical testing. Allele origin: germline.
Comment: The p.C1895W variant (also known as c.5685T>G), located in coding exon 17 of the POLQ gene, results from a T to G substitution at nucleotide position 5685. The cysteine at codon 1895 is replaced by tryptophan, an amino acid with highly dissimilar properties. This amino acid position is conserved. In addition, this alteration is predicted to be tolerated by in silico analysis. Since supporting evidence is limited at this time, the clinical significance of this alteration remains unclear.

NM_199420.4(POLQ):c.5685T>G (p.Cys1895Trp)

Gene: POLQ (DNA polymerase theta; minus strand). Cytogenetic location: 3q13.33.
Variant type: single nucleotide variant.
Coding change: c.5685T>G on transcript NM_199420.4 (MANE Select); coding-DNA position 5685, T replaced by G.
Protein change: p.Cys1895Trp; replaces cysteine 1895 with tryptophan.
Molecular consequence: missense variant.
Genome position (GRCh38, 1-based): chr3:121,485,129, A>C on the plus strand (T>G on the coding strand, the complement: POLQ is on the minus strand). VCF-style: chr3-121485129-A-C. GRCh37 (hg19) VCF-style: chr3-121203976-A-C.
Other names: short protein forms C1895W.
Identifiers: ClinVar variation 2625814 (VCV002625814.2), dbSNP rs2546782975, ClinGen allele CA354089222.